The following is an entry in ClinVar:

ClinVar aggregate classification (germline): Conflicting classifications of pathogenicity. Review status: criteria provided, conflicting classifications (1 of 4 stars). 4 submissions from 4 submitters: Likely pathogenic (1); Uncertain significance (2). 1 of the submissions does not count toward it. Last evaluated 2026-01-20.

Conditions:
Neuronal ceroid lipofuscinosis 2. Also called: TPP1-Related Neuronal Ceroid-Lipofuscinosis; JANSKY-BIELSCHOWSKY DISEASE NEURONAL CEROID LIPOFUSCINOSIS, LATE INFANTILE. Identifiers: Orphanet 168491, Orphanet 228349, Orphanet 79264, MedGen C1876161, MONDO:0008769, OMIM 204500.

Allele frequency attached by ClinVar (database versions not stated): gnomAD exomes 0.00002 and 0.00006; gnomAD 0.00004 and 0.00006; ExAC 0.00010; 1000 Genomes Project 0.00060; 1000 Genomes Project 30x 0.00062.
gnomAD v4.1: 36 of 1,563,282 alleles (0.0023%); highest among the groups gnomAD compares: African/African-American, 0.02%; no homozygotes.

Submissions (4):

Women's Health and Genetics/Laboratory Corporation of America, LabCorp
Classification: Uncertain significance. Last evaluated: 2026-01-20. Review status: criteria provided, single submitter. Criteria: LabCorp Variant Classification Summary - May 2015. Collection method: clinical testing. Allele origin: germline.
Comment: Variant summary: TPP1 c.889C>T (p.Arg297Trp) results in a non-conservative amino acid change in the encoded protein sequence. Algorithms developed to predict the effect of missense changes on protein structure and function all suggest that this variant is likely to be disruptive. Consensus agreement among computation tools predict no significant impact on normal splicing. However, these predictions have yet to be confirmed by functional studies. The variant allele was found at a frequency of 6.1e-05 in 196376 control chromosomes. This frequency is not significantly higher than estimated for disease-causing variants in TPP1, allowing no conclusion about variant significance. To our knowledge, no occurrence of c.889C>T in individuals affected with TPP1-related conditions and no experimental evidence demonstrating its impact on protein function have been reported. ClinVar contains an entry for this variant (Variation ID: 968055). Based on the evidence outlined above, the variant was classified as uncertain significance.

Labcorp Genetics (formerly Invitae), Labcorp
Classification: Uncertain significance. Last evaluated: 2022-10-17. Review status: criteria provided, single submitter. Criteria: Invitae Variant Classification Sherloc (09022015). Collection method: clinical testing. Allele origin: germline.
Comment: This sequence change replaces arginine, which is basic and polar, with tryptophan, which is neutral and slightly polar, at codon 297 of the TPP1 protein (p.Arg297Trp). The frequency data for this variant in the population databases is considered unreliable, as metrics indicate poor data quality at this position in the gnomAD database. This variant has not been reported in the literature in individuals affected with TPP1-related conditions. ClinVar contains an entry for this variant (Variation ID: 968055). Algorithms developed to predict the effect of missense changes on protein structure and function are either unavailable or do not agree on the potential impact of this missense change (SIFT: "Deleterious"; PolyPhen-2: "Benign"; Align-GVGD: "Class C35"). In summary, the available evidence is currently insufficient to determine the role of this variant in disease. Therefore, it has been classified as a Variant of Uncertain Significance.

Laboratory of Medical Genetics, National & Kapodistrian University of Athens
Classification: Likely pathogenic for Neuronal ceroid lipofuscinosis 2. Last evaluated: 2022-04-20. Review status: criteria provided, single submitter. Criteria: ACMG Guidelines, 2015. Collection method: clinical testing. Allele origin: paternal. Affected: yes.
Comment: PVS1, PM2, PP3

Natera, Inc.
Classification: Uncertain significance for Neuronal ceroid lipofuscinosis 2. Last evaluated: 2021-03-02. Review status: no assertion criteria provided. Collection method: clinical testing. Allele origin: germline. Not counted in ClinVar's aggregate classification.

NM_000391.4(TPP1):c.889C>T (p.Arg297Trp)

Gene: TPP1 (tripeptidyl peptidase 1; minus strand). Cytogenetic location: 11p15.4.
Variant type: single nucleotide variant.
Coding change: c.889C>T on transcript NM_000391.4 (MANE Select); coding-DNA position 889, C replaced by T.
Protein change: p.Arg297Trp; replaces arginine 297 with tryptophan.
Molecular consequence: missense variant.
Genome position (GRCh38, 1-based): chr11:6,616,501, G>A on the plus strand (C>T on the coding strand, the complement: TPP1 is on the minus strand). VCF-style: chr11-6616501-G-A. GRCh37 (hg19) VCF-style: chr11-6637732-G-A.
Other names: short protein forms R297W.
Identifiers: ClinVar variation 968055 (VCV000968055.7), dbSNP rs553122824, ClinGen allele CA5858809.